The following is an entry in ClinVar:

ClinVar aggregate classification (germline): Uncertain significance (1 of 4 stars; one submission).

Allele frequency attached by ClinVar (database versions not stated): TOPMed below 0.00001; gnomAD exomes 0.00001; ExAC 0.00002.

Submission:

Labcorp Genetics (formerly Invitae), Labcorp
Classification: Uncertain significance. Last evaluated: 2022-09-15. Review status: criteria provided, single submitter. Criteria: Invitae Variant Classification Sherloc (09022015). Collection method: clinical testing. Allele origin: germline.
Comment: In summary, the available evidence is currently insufficient to determine the role of this variant in disease. Therefore, it has been classified as a Variant of Uncertain Significance. Algorithms developed to predict the effect of missense changes on protein structure and function are either unavailable or do not agree on the potential impact of this missense change (SIFT: "Deleterious"; PolyPhen-2: "Possibly Damaging"; Align-GVGD: "Class C0"). This sequence change replaces valine, which is neutral and non-polar, with methionine, which is neutral and non-polar, at codon 67 of the BCAP31 protein (p.Val67Met). This variant is present in population databases (rs782721594, gnomAD 0.002%). This variant has not been reported in the literature in individuals affected with BCAP31-related conditions.

NM_001256447.2(BCAP31):c.199G>A (p.Val67Met)

Gene: BCAP31 (B cell receptor associated protein 31; minus strand). Cytogenetic location: Xq28.
Variant type: single nucleotide variant.
Coding change: c.199G>A on transcript NM_001256447.2 (MANE Select); coding-DNA position 199, G replaced by A.
Protein change: p.Val67Met; replaces valine 67 with methionine.
Molecular consequence: missense variant.
Genome position (GRCh38, 1-based): chrX:153,715,684, C>T on the plus strand (G>A on the coding strand, the complement: BCAP31 is on the minus strand). VCF-style: chrX-153715684-C-T. GRCh37 (hg19) VCF-style: chrX-152981139-C-T.
Other names: c.199G>A, p.Val67Met (NM_001139441.1, NM_005745.8); c.400G>A, p.Val134Met (NM_001139457.2); short protein forms V134M, V67M.
Identifiers: ClinVar variation 1900344 (VCV001900344.5), dbSNP rs782721594, ClinGen allele CA10549811.